The following is an entry in ClinVar:

NM_052947.4(ALPK2):c.6127A>T (p.Arg2043Trp)

Gene: ALPK2 (alpha kinase 2; minus strand). Cytogenetic location: 18q21.31.
Variant type: single nucleotide variant.
Coding change: c.6127A>T on transcript NM_052947.4 (MANE Select); coding-DNA position 6127, A replaced by T.
Protein change: p.Arg2043Trp; replaces arginine 2043 with tryptophan.
Molecular consequence: missense variant.
Genome position (GRCh38, 1-based): chr18:58,504,051, T>A on the plus strand (A>T on the coding strand, the complement: ALPK2 is on the minus strand). VCF-style: chr18-58504051-T-A. GRCh37 (hg19) VCF-style: chr18-56171283-T-A.
Other names: short protein forms R2043W.
Identifiers: ClinVar variation 1751751 (VCV001751751.2), dbSNP rs2051447576, ClinGen allele CA402544173.

ClinVar aggregate classification (germline): Uncertain significance (1 of 4 stars; one submission).

Submission:

Ambry Genetics
Classification: Uncertain significance. Last evaluated: 2022-07-12. Review status: criteria provided, single submitter. Criteria: Ambry Variant Classification Scheme 2023. Collection method: clinical testing. Allele origin: germline.
Comment: The p.R2043W variant (also known as c.6127A>T), located in coding exon 10 of the ALPK2 gene, results from an A to T substitution at nucleotide position 6127. The arginine at codon 2043 is replaced by tryptophan, an amino acid with dissimilar properties. This amino acid position is conserved. In addition, this alteration is predicted to be tolerated by in silico analysis. Since supporting evidence is limited at this time, the clinical significance of this alteration remains unclear.